The following is an entry in ClinVar:

ClinVar aggregate classification (germline): Pathogenic (1 of 4 stars; one submission).

Submission:

GeneDx
Classification: Pathogenic. Last evaluated: 2022-12-16. Review status: criteria provided, single submitter. Criteria: GeneDx Variant Classification Process June 2021. Collection method: clinical testing. Allele origin: germline. Affected: yes.
Comment: Occurs in the triple helical domain and replaces a glycine in a canonical Gly-X-Y repeat; missense substitution of a canonical glycine residue is expected to disrupt normal protein folding and function, and this is an established mechanism of disease (Jovanovic et al., 2021); Not observed at significant frequency in large population cohorts (gnomAD); In silico analysis supports that this missense variant has a deleterious effect on protein structure/function; This variant is associated with the following publications: (PMID: 28116328)

NM_000088.4(COL1A1):c.581G>A (p.Gly194Asp)

Gene: COL1A1 (collagen type I alpha 1 chain; minus strand). Cytogenetic location: 17q21.33.
Variant type: single nucleotide variant.
Coding change: c.581G>A on transcript NM_000088.4 (MANE Select); coding-DNA position 581, G replaced by A.
Protein change: p.Gly194Asp; replaces glycine 194 with aspartic acid.
Molecular consequence: missense variant.
Genome position (GRCh38, 1-based): chr17:50,198,168, C>T on the plus strand (G>A on the coding strand, the complement: COL1A1 is on the minus strand). VCF-style: chr17-50198168-C-T. GRCh37 (hg19) VCF-style: chr17-48275529-C-T.
Other names: short protein forms G194D.
Identifiers: ClinVar variation 2505645 (VCV002505645.1), dbSNP rs2144587699, ClinGen allele CA400225541.